The following is an entry in ClinVar:

ClinVar aggregate classification (germline): Uncertain significance (1 of 4 stars; one submission).

Conditions:
Inborn genetic diseases. Identifiers: MedGen C0950123, MeSH D030342.

gnomAD v4.1: 4 of 1,604,636 alleles (0.00025%); highest among the groups gnomAD compares: African/African-American, 0.0013%; no homozygotes.

Submission:

Ambry Genetics
Classification: Uncertain significance for Inborn genetic diseases. Last evaluated: 2025-06-23. Review status: criteria provided, single submitter. Criteria: Ambry Variant Classification Scheme 2023. Collection method: clinical testing. Allele origin: germline.
Comment: The p.E835G variant (also known as c.2504A>G), located in coding exon 14 of the FANCM gene, results from an A to G substitution at nucleotide position 2504. The glutamic acid at codon 835 is replaced by glycine, an amino acid with similar properties. This amino acid position is conserved. In addition, this alteration is predicted to be tolerated by in silico analysis. Based on the available evidence, the clinical significance of this variant remains unclear.

NM_020937.4(FANCM):c.2504A>G (p.Glu835Gly)

Gene: FANCM (FA complementation group M; plus strand). Cytogenetic location: 14q21.2.
Variant type: single nucleotide variant.
Coding change: c.2504A>G on transcript NM_020937.4 (MANE Select); coding-DNA position 2504, A replaced by G.
Protein change: p.Glu835Gly; replaces glutamic acid 835 with glycine.
Molecular consequence: missense variant.
Genome position (GRCh38, 1-based): chr14:45,175,258, A>G. VCF-style: chr14-45175258-A-G. GRCh37 (hg19) VCF-style: chr14-45644461-A-G.
Other names: c.2426A>G, p.Glu809Gly (NM_001308133.2); short protein forms E809G, E835G.
Identifiers: ClinVar variation 4254539 (VCV004254539.1).